The following is an entry in ClinVar:

NM_001330078.2(NRXN1):c.3957C>T (p.Ala1319=)

Gene: NRXN1 (neurexin 1; minus strand). Cytogenetic location: 2p16.3.
Variant type: single nucleotide variant.
Coding change: c.3957C>T on transcript NM_001330078.2 (MANE Select); coding-DNA position 3957, C replaced by T.
Protein change: p.Ala1319=; no amino-acid change (alanine 1319 retained).
Molecular consequence: synonymous variant.
Genome position (GRCh38, 1-based): chr2:50,053,442, G>A on the plus strand (C>T on the coding strand, the complement: NRXN1 is on the minus strand). VCF-style: chr2-50053442-G-A. GRCh37 (hg19) VCF-style: chr2-50280580-G-A.
Other names: c.4077C>T, p.Ala1359= (NM_001135659.3); c.3933C>T, p.Ala1311= (NM_001330077.2, NM_001330082.2); c.3801C>T, p.Ala1267= (NM_001330083.2); c.3891C>T, p.Ala1297= (NM_001330084.2); c.3930C>T, p.Ala1310= (NM_001330085.2); c.3957C>T, p.Ala1319= (NM_001330086.2); c.3756C>T, p.Ala1252= (NM_001330087.2, NM_001330096.2); c.3786C>T, p.Ala1262= (NM_001330088.2); and 6 more.
Identifiers: ClinVar variation 515322 (VCV000515322.1), dbSNP rs1553534825, ClinGen allele CA426128939.
Genomic context (GRCh38, chr2:50,053,442, plus strand): 5'-TGTTGACTCAGTTGTCATAGAGGAAGGCACTTCACCAACCAGTCTCACATTTCCCACTAT[G>A]GCGATGTTGGCATCGTTTTCGGCTGCCATATTCAGAACTTTCAAGCCATTGTAGTACAGC-3'
Protein context (NP_001317007.1, residues 1309-1329): NMAAENDANI[Ala1319=]IVGNVRLVGE

ClinVar aggregate classification (germline): Likely benign (1 of 4 stars; one submission).

Allele frequency attached by ClinVar (database versions not stated): gnomAD exomes below 0.00001.
gnomAD v4.1: 1 of 1,614,008 alleles (0.000062%); highest among the groups gnomAD compares: Non-Finnish European, 0.000085%; no homozygotes.

Submission:

GeneDx
Classification: Likely benign. Last evaluated: 2018-02-08. Review status: criteria provided, single submitter. Criteria: GeneDx Variant Classification (06012015). Collection method: clinical testing. Allele origin: germline. Affected: yes.
Comment: This variant is considered likely benign or benign based on one or more of the following criteria: it is a conservative change, it occurs at a poorly conserved position in the protein, it is predicted to be benign by multiple in silico algorithms, and/or has population frequency not consistent with disease.